The following is an entry in ClinVar:

NM_030662.4(MAP2K2):c.743C>T (p.Ser248Leu)

Gene: MAP2K2 (mitogen-activated protein kinase kinase 2; minus strand). Cytogenetic location: 19p13.3.
Variant type: single nucleotide variant.
Coding change: c.743C>T on transcript NM_030662.4 (MANE Select); coding-DNA position 743, C replaced by T.
Protein change: p.Ser248Leu; replaces serine 248 with leucine.
Molecular consequence: missense variant.
Genome position (GRCh38, 1-based): chr19:4,099,377, G>A on the plus strand (C>T on the coding strand, the complement: MAP2K2 is on the minus strand). VCF-style: chr19-4099377-G-A. GRCh37 (hg19) VCF-style: chr19-4099375-G-A.
Other names: short protein forms S248L.
Identifiers: ClinVar variation 1331203 (VCV001331203.8), dbSNP rs761669626, ClinGen allele CA9090837.

ClinVar aggregate classification (germline): Uncertain significance. Review status: criteria provided, multiple submitters, no conflicts (2 of 4 stars). 3 submissions from 3 submitters: Uncertain significance (3). Last evaluated 2025-07-14.

Conditions:
RASopathy. Also called: rasopathies; Noonan spectrum disorder. Identifiers: Orphanet 536391, MedGen C5555857, MONDO:0021060.
Cardiofaciocutaneous syndrome 4 (CFC4). Also called: MAP2K2-Related Cardiofaciocutaneous Syndrome. Identifiers: Orphanet 1340, MedGen C3809007, MONDO:0014114, OMIM 615280.

Allele frequency attached by ClinVar (database versions not stated): gnomAD 0.00004 and 0.00003; gnomAD exomes 0.00001; TOPMed 0.00002; ExAC 0.00002.
gnomAD v4.1: 17 of 1,611,364 alleles (0.0011%); highest among the groups gnomAD compares: Non-Finnish European, 0.0014%; no homozygotes.

Submissions (3):

Labcorp Genetics (formerly Invitae), Labcorp
Classification: Uncertain significance for RASopathy. Last evaluated: 2025-07-14. Review status: criteria provided, single submitter. Criteria: Invitae Variant Classification Sherloc (09022015). Collection method: clinical testing. Allele origin: germline.
Comment: This sequence change replaces serine, which is neutral and polar, with leucine, which is neutral and non-polar, at codon 248 of the MAP2K2 protein (p.Ser248Leu). The frequency data for this variant in the population databases is considered unreliable, as metrics indicate poor data quality at this position in the gnomAD database. This variant has not been reported in the literature in individuals affected with MAP2K2-related conditions. ClinVar contains an entry for this variant (Variation ID: 1331203). Invitae Evidence Modeling of protein sequence and biophysical properties (such as structural, functional, and spatial information, amino acid conservation, physicochemical variation, residue mobility, and thermodynamic stability) has been performed for this missense variant. However, the output from this modeling did not meet the statistical confidence thresholds required to predict the impact of this variant on MAP2K2 protein function. In summary, the available evidence is currently insufficient to determine the role of this variant in disease. Therefore, it has been classified as a Variant of Uncertain Significance.

Fulgent Genetics
Classification: Uncertain significance for Cardiofaciocutaneous syndrome 4. Last evaluated: 2024-05-09. Review status: criteria provided, single submitter. Criteria: ACMG Guidelines, 2015. Collection method: clinical testing. Allele origin: germline.

GeneDx
Classification: Uncertain significance. Last evaluated: 2022-10-05. Review status: criteria provided, single submitter. Criteria: GeneDx Variant Classification Process June 2021. Collection method: clinical testing. Allele origin: germline. Affected: yes.
Comment: Missense variants in this gene are often considered pathogenic (HGMD); In silico analysis supports that this missense variant has a deleterious effect on protein structure/function; Has not been previously published as pathogenic or benign to our knowledge